The following is an entry in ClinVar:

ClinVar aggregate classification (germline): Uncertain significance (1 of 4 stars; one submission).

Conditions:
Developmental and epileptic encephalopathy, 53. Also called: Epileptic encephalopathy, early infantile, 53. Identifiers: MedGen C4479313, MONDO:0033362, OMIM 617389.
Early-onset Parkinson disease 20. Also called: PARKINSON DISEASE 20, AUTOSOMAL RECESSIVE EARLY-ONSET. Identifiers: Orphanet 391411, MedGen C3809824, MONDO:0014233, OMIM 615530.

Allele frequency attached by ClinVar (database versions not stated): gnomAD exomes below 0.00001; ExAC 0.00001; gnomAD 0.00001; TOPMed 0.00003; ESP Exome Variant Server 0.00008.
gnomAD v4.1: 4 of 1,609,528 alleles (0.00025%); highest among the groups gnomAD compares: African/African-American, 0.0054%; no homozygotes.

Submission:

Labcorp Genetics (formerly Invitae), Labcorp
Classification: Uncertain significance for Developmental and epileptic encephalopathy, 53; Early-onset Parkinson disease 20. Last evaluated: 2021-09-14. Review status: criteria provided, single submitter. Criteria: Invitae Variant Classification Sherloc (09022015). Collection method: clinical testing. Allele origin: germline.
Comment: This sequence change replaces proline with leucine at codon 605 of the SYNJ1 protein (p.Pro605Leu). The proline residue is moderately conserved and there is a moderate physicochemical difference between proline and leucine. This variant is present in population databases (rs141001350, ExAC 0.01%). This variant has not been reported in the literature in individuals affected with SYNJ1-related conditions. Algorithms developed to predict the effect of missense changes on protein structure and function are either unavailable or do not agree on the potential impact of this missense change (SIFT: "Tolerated"; PolyPhen-2: "Probably Damaging"; Align-GVGD: "Class C0"). In summary, the available evidence is currently insufficient to determine the role of this variant in disease. Therefore, it has been classified as a Variant of Uncertain Significance.

NM_203446.3(SYNJ1):c.1697C>T (p.Pro566Leu)

Gene: SYNJ1 (synaptojanin 1; minus strand). Cytogenetic location: 21q22.11.
Variant type: single nucleotide variant.
Coding change: c.1697C>T on transcript NM_203446.3 (MANE Select); coding-DNA position 1697, C replaced by T.
Protein change: p.Pro566Leu; replaces proline 566 with leucine.
Molecular consequence: missense variant.
Genome position (GRCh38, 1-based): chr21:32,673,369, G>A on the plus strand (C>T on the coding strand, the complement: SYNJ1 is on the minus strand). VCF-style: chr21-32673369-G-A. GRCh37 (hg19) VCF-style: chr21-34045679-G-A.
Other names: c.1697C>T, p.Pro566Leu (NM_001160302.2); c.1682C>T, p.Pro561Leu (NM_001160306.2); c.1814C>T, p.Pro605Leu (NM_003895.4); short protein forms P561L, P605L, P566L.
Identifiers: ClinVar variation 1467732 (VCV001467732.6), dbSNP rs141001350, ClinGen allele CA10003830.